The following is an entry in ClinVar:

ClinVar aggregate classification (germline): Uncertain significance. Review status: criteria provided, multiple submitters, no conflicts (2 of 4 stars). 2 submissions from 2 submitters: Uncertain significance (2). Last evaluated 2025-12-29.

Conditions:
Familial adenomatous polyposis 1 (FAP1). Also called: POLYPOSIS, ADENOMATOUS INTESTINAL; FAMILIAL ADENOMATOUS POLYPOSIS 1, ATTENUATED. Identifiers: MedGen C2713442, MONDO:0021056, OMIM 175100. Disease mechanism: loss of function.

Allele frequency attached by ClinVar (database versions not stated): TOPMed below 0.00001; gnomAD 0.00001.
gnomAD v4.1: 1 of 1,613,768 alleles (0.000062%); highest among the groups gnomAD compares: Non-Finnish European, 0.000085%; no homozygotes.

Submissions (2):

Center for Genomic Medicine, Rigshospitalet, Copenhagen University Hospital
Classification: Uncertain significance. Last evaluated: 2025-12-29. Review status: criteria provided, single submitter. Criteria: ACMG Guidelines, 2015. Collection method: clinical testing. Allele origin: germline.
Comment: Classification criteria: PM2_supporting, BP1

Labcorp Genetics (formerly Invitae), Labcorp
Classification: Uncertain significance for Familial adenomatous polyposis 1. Last evaluated: 2018-02-27. Review status: criteria provided, single submitter. Criteria: Invitae Variant Classification Sherloc (09022015). Collection method: clinical testing. Allele origin: germline.
Comment: In summary, the available evidence is currently insufficient to determine the role of this variant in disease. Therefore, it has been classified as a Variant of Uncertain Significance. Algorithms developed to predict the effect of missense changes on protein structure and function do not agree on the potential impact of this missense change (SIFT: "Deleterious"; PolyPhen-2: "Possibly Damaging"; Align-GVGD: "Class C0"). This variant has not been reported in the literature in individuals with APC-related disease. This variant is not present in population databases (ExAC no frequency). This sequence change replaces serine with proline at codon 1875 of the APC protein (p.Ser1875Pro). The serine residue is highly conserved and there is a moderate physicochemical difference between serine and proline.

NM_000038.6(APC):c.5623T>C (p.Ser1875Pro)

Gene: APC (APC regulator of Wnt signaling pathway; plus strand). Cytogenetic location: 5q22.2.
Variant type: single nucleotide variant.
Coding change: c.5623T>C on transcript NM_000038.6 (MANE Select); coding-DNA position 5623, T replaced by C.
Protein change: p.Ser1875Pro; replaces serine 1875 with proline.
Molecular consequence: missense variant.
Genome position (GRCh38, 1-based): chr5:112,841,217, T>C. VCF-style: chr5-112841217-T-C. GRCh37 (hg19) VCF-style: chr5-112176914-T-C.
Other names: c.5623T>C, p.Ser1875Pro (NM_001127510.3, NM_001354895.2); c.5569T>C, p.Ser1857Pro (NM_001127511.3); c.5677T>C, p.Ser1893Pro (NM_001354896.2); c.5653T>C, p.Ser1885Pro (NM_001354897.2); c.5548T>C, p.Ser1850Pro (NM_001354898.2); c.5539T>C, p.Ser1847Pro (NM_001354899.2); c.5500T>C, p.Ser1834Pro (NM_001354900.2); c.5446T>C, p.Ser1816Pro (NM_001354901.2); and 5 more; short protein forms S1857P, S1875P, S1816P, S1850P, S1893P, S1749P, S1784P, S1834P.
Identifiers: ClinVar variation 569951 (VCV000569951.11), dbSNP rs1174598178, ClinGen allele CA16033639.